The following is an entry in ClinVar:

ClinVar aggregate classification (germline): Uncertain significance (1 of 4 stars; one submission).

Submission:

GeneDx
Classification: Uncertain significance. Last evaluated: 2022-04-26. Review status: criteria provided, single submitter. Criteria: GeneDx Variant Classification Process June 2021. Collection method: clinical testing. Allele origin: germline. Affected: yes.
Comment: Not observed at significant frequency in large population cohorts (gnomAD); In-frame deletion of 3 amino acids and insertion of 1 amino acid in a non-repeat region; In silico analysis supports a deleterious effect on protein structure/function; Has not been previously published as pathogenic or benign to our knowledge

NM_021098.3(CACNA1H):c.4528_4536delinsCTT (p.Met1510_Asp1512delinsLeu)

Gene: CACNA1H (calcium voltage-gated channel subunit alpha1 H; plus strand). Cytogenetic location: 16p13.3.
Variant type: Indel.
Coding change: c.4528_4536delinsCTT on transcript NM_021098.3 (MANE Select); coding-DNA positions 4528 to 4536, ATGTACGAC replaced by CTT.
Protein change: p.Met1510_Asp1512delinsLeu.
Molecular consequence: inframe indel.
Genome position (GRCh38, 1-based): chr16:1,211,767-1,211,775, ATGTACGAC replaced by CTT. VCF-style: chr16-1211767-ATGTACGAC-CTT. GRCh37 (hg19) VCF-style: chr16-1261767-ATGTACGAC-CTT.
Other names: c.4528_4536delinsCTT, p.Met1510_Asp1512delinsLeu (NM_001005407.2).
Identifiers: ClinVar variation 1712580 (VCV001712580.2), dbSNP rs2548706415, ClinGen allele CA2580090440.